The following is an entry in ClinVar:

NM_007194.4(CHEK2):c.530A>G (p.Lys177Arg)

Gene: CHEK2 (checkpoint kinase 2; minus strand). Cytogenetic location: 22q12.1.
Variant type: single nucleotide variant.
Coding change: c.530A>G on transcript NM_007194.4 (MANE Select); coding-DNA position 530, A replaced by G.
Protein change: p.Lys177Arg; replaces lysine 177 with arginine.
Molecular consequence: missense variant. On other transcripts: 5 prime UTR variant (2), intron variant (1).
Genome position (GRCh38, 1-based): chr22:28,725,039, T>C on the plus strand (A>G on the coding strand, the complement: CHEK2 is on the minus strand). VCF-style: chr22-28725039-T-C. GRCh37 (hg19) VCF-style: chr22-29121027-T-C.
Other names: c.659A>G, p.Lys220Arg (NM_001005735.3, NM_001438294.1); c.-248A>G (NM_001257387.3); c.-134A>G (NM_001437942.1); c.623A>G, p.Lys208Arg (NM_001438293.1, NM_001438295.1); c.530A>G, p.Lys177Arg (NM_145862.3); c.445-116A>G (NM_001349956.3); short protein forms K177R, K220R, K208R.
Identifiers: ClinVar variation 2699468 (VCV002699468.3), dbSNP rs1601823389, ClinGen allele CA411107286.
Genomic context (GRCh38, chr22:28,725,039, plus strand): 5'-TTATTTCTGCTTAGTGACAGTGCAATTTCAGAATTGTTATTCAAAGGACGGCGTTTTCCT[T>C]TCCCTACAAGCTCTGTATTTACAAAGGTTCCATTGCCACTGTGATCTTCTATGTATGCAA-3'
Protein context (NP_009125.1, residues 167-187): GTFVNTELVG[Lys177Arg]GKRRPLNNNS

ClinVar aggregate classification (germline): Uncertain significance (1 of 4 stars; one submission).

Conditions:
Familial cancer of breast. Also called: hereditary breast carcinoma; Hereditary breast cancer; BREAST CANCER, FAMILIAL. Identifiers: Orphanet 227535, MedGen C0346153, MONDO:0016419, OMIM 114480. Disease mechanism: loss of function.

Submission:

Labcorp Genetics (formerly Invitae), Labcorp
Classification: Uncertain significance for Familial cancer of breast. Last evaluated: 2023-06-09. Review status: criteria provided, single submitter. Criteria: Invitae Variant Classification Sherloc (09022015). Collection method: clinical testing. Allele origin: germline.
Comment: In summary, the available evidence is currently insufficient to determine the role of this variant in disease. Therefore, it has been classified as a Variant of Uncertain Significance. Algorithms developed to predict the effect of missense changes on protein structure and function output the following: SIFT: "Not Available"; PolyPhen-2: "Benign"; Align-GVGD: "Not Available". The arginine amino acid residue is found in multiple mammalian species, which suggests that this missense change does not adversely affect protein function. This variant has not been reported in the literature in individuals affected with CHEK2-related conditions. This variant is not present in population databases (gnomAD no frequency). This sequence change replaces lysine, which is basic and polar, with arginine, which is basic and polar, at codon 177 of the CHEK2 protein (p.Lys177Arg).